The following is an entry in ClinVar:

NM_004656.4(BAP1):c.179G>A (p.Arg60Gln)

Genes: PHF7 (PHD finger protein 7; plus strand), BAP1 (BRCA1 associated deubiquitinase 1; minus strand). Cytogenetic location: 3p21.1.
Variant type: single nucleotide variant.
Coding change: c.179G>A on transcript NM_004656.4 (MANE Select); coding-DNA position 179, G replaced by A.
Protein change: p.Arg60Gln; replaces arginine 60 with glutamine.
Molecular consequence: missense variant.
Genome position (GRCh38, 1-based): chr3:52,408,550, C>T on the plus strand (G>A on the coding strand, the complement: BAP1 is on the minus strand). VCF-style: chr3-52408550-C-T. GRCh37 (hg19) VCF-style: chr3-52442566-C-T.
Other names: c.179G>A (LRG_529t1); short protein forms R60Q.
Identifiers: ClinVar variation 489626 (VCV000489626.13), dbSNP rs1553646022, ClinGen allele CA353113458.
Genomic context (GRCh38, chr3:52,408,550, plus strand): 5'-ATGTTATTCACAATATCATCATCAATCACGGACGTATCATCCACCAAGGTAGAGACCTTT[C>T]GCCGGGACCGGCGCTCTTCGATCCATTTGAACAGGAAGATAAATCCATATACAGGGCTGG-3'
Protein context (NP_004647.1, residues 50-70): FKWIEERRSR[Arg60Gln]KVSTLVDDTS

ClinVar aggregate classification (germline): Conflicting classifications of pathogenicity. Review status: criteria provided, conflicting classifications (1 of 4 stars). 4 submissions from 4 submitters: Likely pathogenic (1); Uncertain significance (3). Last evaluated 2025-07-10.

Conditions:
Hereditary cancer-predisposing syndrome. Also called: Hereditary Cancer Syndrome; Neoplastic Syndromes, Hereditary; Tumor predisposition; Hereditary neoplastic syndrome. Identifiers: Orphanet 140162, MedGen C0027672, MeSH D009386, MONDO:0015356.
BAP1-related tumor predisposition syndrome (TPDS1). Also called: Tumor susceptibility linked to germline BAP1 mutations; BAP1 tumor predisposition syndrome; COMMON Syndrome; TUMOR PREDISPOSITION SYNDROME 1. Identifiers: Orphanet 289539, MedGen C3280492, MONDO:0013692, OMIM 614327.
Kury-Isidor syndrome (KURIS). Identifiers: MedGen C5676925, MONDO:0859230, OMIM 619762.

Allele frequency attached by ClinVar (database versions not stated): TOPMed 0.00001.

Submissions (4):

Institute of Medical Genetics and Applied Genomics, University Hospital Tübingen
Classification: Likely pathogenic for Kury-Isidor syndrome. Last evaluated: 2025-07-10. Review status: criteria provided, single submitter. Criteria: ACMG Guidelines, 2015. Collection method: clinical testing. Allele origin: germline. Inheritance: Autosomal dominant inheritance. Affected: yes.

GeneDx
Classification: Uncertain significance. Last evaluated: 2025-04-21. Review status: criteria provided, single submitter. Criteria: GeneDx Variant Classification Process June 2021. Collection method: clinical testing. Allele origin: germline. Affected: yes.
Comment: Not observed at significant frequency in large population cohorts (gnomAD); In silico analysis supports that this missense variant has a deleterious effect on protein structure/function; Has not been previously published as pathogenic or benign germline variant to our knowledge; This variant is associated with the following publications: (PMID: 22958294)

Labcorp Genetics (formerly Invitae), Labcorp
Classification: Uncertain significance for BAP1-related tumor predisposition syndrome. Last evaluated: 2023-10-29. Review status: criteria provided, single submitter. Criteria: Invitae Variant Classification Sherloc (09022015). Collection method: clinical testing. Allele origin: germline.
Comment: This sequence change replaces arginine, which is basic and polar, with glutamine, which is neutral and polar, at codon 60 of the BAP1 protein (p.Arg60Gln). This variant is not present in population databases (gnomAD no frequency). This variant has not been reported in the literature in individuals affected with BAP1-related conditions. ClinVar contains an entry for this variant (Variation ID: 489626). Advanced modeling of protein sequence and biophysical properties (such as structural, functional, and spatial information, amino acid conservation, physicochemical variation, residue mobility, and thermodynamic stability) performed at Invitae indicates that this missense variant is expected to disrupt BAP1 protein function with a positive predictive value of 80%. In summary, the available evidence is currently insufficient to determine the role of this variant in disease. Therefore, it has been classified as a Variant of Uncertain Significance.

Color Diagnostics, LLC DBA Color Health
Classification: Uncertain significance for Hereditary cancer-predisposing syndrome. Last evaluated: 2019-02-28. Review status: criteria provided, single submitter. Criteria: ACMG Guidelines, 2015. Collection method: clinical testing. Allele origin: germline.